The following is an entry in ClinVar:

NM_020937.4(FANCM):c.26T>G (p.Phe9Cys)

Gene: FANCM (FA complementation group M; plus strand). Cytogenetic location: 14q21.2.
Variant type: single nucleotide variant.
Coding change: c.26T>G on transcript NM_020937.4 (MANE Select); coding-DNA position 26, T replaced by G.
Protein change: p.Phe9Cys; replaces phenylalanine 9 with cysteine.
Molecular consequence: missense variant.
Genome position (GRCh38, 1-based): chr14:45,136,057, T>G. VCF-style: chr14-45136057-T-G. GRCh37 (hg19) VCF-style: chr14-45605260-T-G.
Other names: c.26T>G, p.Phe9Cys (NM_001308133.2, NM_001308134.2); short protein forms F9C.
Identifiers: ClinVar variation 2574346 (VCV002574346.2), dbSNP rs1248796174, ClinGen allele CA389586655.
Genomic context (GRCh38, chr14:45,136,057, plus strand): 5'-ATATCTGACAGAAGCCTTCGGTGGTTGTCGGCCTAATGAGCGGACGGCAAAGAACGCTTT[T>G]TCAGACGTGGGGCTCAAGTATCTCCCGATCATCTGGGACTCCGGGTTGCAGCTCCGGAAC-3'
Protein context (NP_065988.1, residues 1-19): MSGRQRTL[Phe9Cys]QTWGSSISRS

ClinVar aggregate classification (germline): Uncertain significance. Review status: criteria provided, multiple submitters, no conflicts (2 of 4 stars). 2 submissions from 2 submitters: Uncertain significance (2). Last evaluated 2025-01-21.

Conditions:
Inborn genetic diseases. Identifiers: MedGen C0950123, MeSH D030342.

Allele frequency attached by ClinVar (database versions not stated): gnomAD exomes below 0.00001; TOPMed 0.00001.
gnomAD v4.1: 1 of 1,613,740 alleles (0.000062%); highest among the groups gnomAD compares: African/African-American, 0.0013%; no homozygotes.

Submissions (2):

Ambry Genetics
Classification: Uncertain significance for Inborn genetic diseases. Last evaluated: 2025-01-21. Review status: criteria provided, single submitter. Criteria: Ambry Variant Classification Scheme 2023. Collection method: clinical testing. Allele origin: germline.
Comment: The p.F9C variant (also known as c.26T>G), located in coding exon 1 of the FANCM gene, results from a T to G substitution at nucleotide position 26. The phenylalanine at codon 9 is replaced by cysteine, an amino acid with highly dissimilar properties. This amino acid position is conserved. In addition, the in silico prediction for this alteration is inconclusive. Based on the available evidence, the clinical significance of this variant remains unclear.

GeneDx
Classification: Uncertain significance. Last evaluated: 2023-01-25. Review status: criteria provided, single submitter. Criteria: GeneDx Variant Classification Process June 2021. Collection method: clinical testing. Allele origin: germline. Affected: yes.
Comment: Not observed at significant frequency in large population cohorts (gnomAD); In silico analysis supports that this missense variant has a deleterious effect on protein structure/function; Has not been previously published as pathogenic or benign to our knowledge